The following is an entry in ClinVar:

ClinVar aggregate classification (germline): Likely benign. Review status: criteria provided, multiple submitters, no conflicts (2 of 4 stars). 5 submissions from 5 submitters: Likely benign (5). Last evaluated 2025-12-19.

Conditions:
DTNA-related disorder. Also called: DTNA-related condition.
Left ventricular noncompaction 1 (LVNC1). Also called: LEFT VENTRICULAR NONCOMPACTION 1 WITH OR WITHOUT CONGENITAL HEART DEFECTS. Identifiers: Orphanet 54260, MedGen C1858725, MONDO:0011403, OMIM 604169.

Allele frequency attached by ClinVar (database versions not stated): ESP Exome Variant Server 0.00008; ExAC 0.00002; gnomAD exomes 0.00002; TOPMed 0.00002.
gnomAD v4.1: 25 of 1,613,954 alleles (0.0015%); highest among the groups gnomAD compares: Admixed American, 0.0067%; no homozygotes.

Submissions (5):

Labcorp Genetics (formerly Invitae), Labcorp
Classification: Likely benign for Left ventricular noncompaction 1. Last evaluated: 2025-12-19. Review status: criteria provided, single submitter. Criteria: Invitae Variant Classification Sherloc (09022015). Collection method: clinical testing. Allele origin: germline.

PreventionGenetics, part of Exact Sciences
Classification: Likely benign for DTNA-related condition. Last evaluated: 2024-11-11. Review status: criteria provided, single submitter. Criteria: ACMG Guidelines, 2015. Collection method: clinical testing. Allele origin: germline.
Comment: This variant is classified as likely benign based on ACMG/AMP sequence variant interpretation guidelines (Richards et al. 2015 PMID: 25741868, with internal and published modifications).

Blueprint Genetics
Classification: Likely benign. Last evaluated: 2024-06-27. Review status: criteria provided, single submitter. Criteria: ACMG Guidelines, 2015. Collection method: clinical testing. Allele origin: germline.

Women's Health and Genetics/Laboratory Corporation of America, LabCorp
Classification: Likely benign. Last evaluated: 2024-03-12. Review status: criteria provided, single submitter. Criteria: LabCorp Variant Classification Summary - May 2015. Collection method: clinical testing. Allele origin: germline.
Comment: Variant summary: DTNA c.2013G>A alters a non-conserved nucleotide resulting in a synonymous change. Consensus agreement among computation tools predict no significant impact on normal splicing. However, these predictions have yet to be confirmed by functional studies. The variant allele was found at a frequency of 1.6e-05 in 251406 control chromosomes (gnomAD). The available data on variant occurrences in the general population are insufficient to allow any conclusion about variant significance. To our knowledge, no occurrence of c.2013G>A in individuals affected with Cardiomyopathy and no experimental evidence demonstrating its impact on protein function have been reported. ClinVar contains an entry for this variant (Variation ID: 513439). Based on the evidence outlined above, the variant was classified as likely benign.

GeneDx
Classification: Likely benign. Last evaluated: 2017-11-20. Review status: criteria provided, single submitter. Criteria: GeneDx Variant Classification (06012015). Collection method: clinical testing. Allele origin: germline. Affected: yes.
Comment: This variant is considered likely benign or benign based on one or more of the following criteria: it is a conservative change, it occurs at a poorly conserved position in the protein, it is predicted to be benign by multiple in silico algorithms, and/or has population frequency not consistent with disease.

NM_001386795.1(DTNA):c.2094G>A (p.Ala698=)

Gene: DTNA (dystrobrevin alpha; plus strand). Cytogenetic location: 18q12.1.
Variant type: single nucleotide variant.
Coding change: c.2094G>A on transcript NM_001386795.1 (MANE Select); coding-DNA position 2094, G replaced by A.
Protein change: p.Ala698=; no amino-acid change (alanine 698 retained).
Molecular consequence: synonymous variant.
Genome position (GRCh38, 1-based): chr18:34,879,651, G>A. VCF-style: chr18-34879651-G-A. GRCh37 (hg19) VCF-style: chr18-32459615-G-A.
Other names: c.1833G>A, p.Ala611= (NM_001198938.2, NM_001198940.2, NM_001386753.1 and 5 more transcripts); c.1854G>A, p.Ala618= (NM_001198939.2); c.1140G>A, p.Ala380= (NM_001198942.1); c.1083G>A, p.Ala361= (NM_001198943.1); c.969G>A, p.Ala323= (NM_001198944.1); c.1923G>A, p.Ala641= (NM_001386754.1, NM_001386755.1, NM_001386756.1 and 3 more transcripts); c.1920G>A, p.Ala640= (NM_001386760.1); c.1842G>A, p.Ala614= (NM_001386761.1, NM_032975.4); and 5 more.
Identifiers: ClinVar variation 513439 (VCV000513439.12), dbSNP rs369914309, ClinGen allele CA8935929.